The following is an entry in ClinVar:

ClinVar aggregate classification (germline): Likely benign (0 of 4 stars; one submission).

Conditions:
SHANK1-related disorder. Also called: SHANK1-related condition.

Allele frequency attached by ClinVar (database versions not stated): gnomAD exomes 0.00001.
gnomAD v4.1: 18 of 1,613,782 alleles (0.0011%); highest among the groups gnomAD compares: Admixed American, 0.0017%; no homozygotes.

Submission:

PreventionGenetics, part of Exact Sciences
Classification: Likely benign for SHANK1-related condition. Last evaluated: 2024-01-09. Review status: no assertion criteria provided. Collection method: clinical testing. Allele origin: germline.
Comment: This variant is classified as likely benign based on ACMG/AMP sequence variant interpretation guidelines (Richards et al. 2015 PMID: 25741868, with internal and published modifications).

NM_016148.5(SHANK1):c.2397G>A (p.Glu799=)

Gene: SHANK1 (SH3 and multiple ankyrin repeat domains 1; minus strand). Cytogenetic location: 19q13.33.
Variant type: single nucleotide variant.
Coding change: c.2397G>A on transcript NM_016148.5 (MANE Select); coding-DNA position 2397, G replaced by A.
Protein change: p.Glu799=; no amino-acid change (glutamic acid 799 retained).
Molecular consequence: synonymous variant.
Genome position (GRCh38, 1-based): chr19:50,686,805, C>T on the plus strand (G>A on the coding strand, the complement: SHANK1 is on the minus strand). VCF-style: chr19-50686805-C-T. GRCh37 (hg19) VCF-style: chr19-51190062-C-T.
Identifiers: ClinVar variation 3057610 (VCV003057610.2), dbSNP rs1297950054, ClinGen allele CA508197890.